The following is an entry in ClinVar:

ClinVar aggregate classification (germline): Uncertain significance (1 of 4 stars; one submission).

Submission:

Labcorp Genetics (formerly Invitae), Labcorp
Classification: Uncertain significance. Last evaluated: 2023-07-29. Review status: criteria provided, single submitter. Criteria: Invitae Variant Classification Sherloc (09022015). Collection method: clinical testing. Allele origin: germline.
Comment: This sequence change affects codon 23 of the TOP2B mRNA. It is a 'silent' change, meaning that it does not change the encoded amino acid sequence of the TOP2B protein. This variant also falls at the last nucleotide of exon 1, which is part of the consensus splice site for this exon. This variant is not present in population databases (gnomAD no frequency). This variant has not been reported in the literature in individuals affected with TOP2B-related conditions. Variants that disrupt the consensus splice site are a relatively common cause of aberrant splicing (PMID: 17576681, 9536098). Algorithms developed to predict the effect of sequence changes on RNA splicing suggest that this variant may create or strengthen a splice site. In summary, the available evidence is currently insufficient to determine the role of this variant in disease. Therefore, it has been classified as a Variant of Uncertain Significance.

Literature cited by the submitters: PubMed 17576681; PubMed 9536098.

NM_001330700.2(TOP2B):c.69G>T (p.Val23=)

Genes: TOP2B (DNA topoisomerase II beta; minus strand), LOC129936375 (ATAC-STARR-seq lymphoblastoid silent region 14146; plus strand). Cytogenetic location: 3p24.2.
Variant type: single nucleotide variant.
Coding change: c.69G>T on transcript NM_001330700.2 (MANE Select); coding-DNA position 69, G replaced by T.
Protein change: p.Val23=; no amino-acid change (valine 23 retained).
Molecular consequence: synonymous variant.
Genome position (GRCh38, 1-based): chr3:25,664,229, C>A on the plus strand (G>T on the coding strand, the complement: TOP2B is on the minus strand). VCF-style: chr3-25664229-C-A. GRCh37 (hg19) VCF-style: chr3-25705720-C-A.
Other names: c.69G>T, p.Val23= (NM_001068.3).
Identifiers: ClinVar variation 2730392 (VCV002730392.3), dbSNP rs2470428907, ClinGen allele CA432840563.
Genomic context (GRCh38, chr3:25,664,229, plus strand): 5'-TCCGCCCCCGCCGCGGGCCCGGAACAATGCAGCCGCCCGTCCCGGGGACCAGCCACTTAC[C>A]ACCCAGGTCAGTGCCCCGTTGCCGCCGCCCACGCCGGCTCCCGCGCCGCAGCCACCCGAC-3'
Protein context (NP_001317629.1, residues 13-33): VGGGNGALTW[Val23=]TLFDQNNAAK